The following is an entry in ClinVar:

NM_007373.4(SHOC2):c.506A>G (p.Lys169Arg)

Gene: SHOC2 (SHOC2 leucine rich repeat scaffold protein; plus strand). Cytogenetic location: 10q25.2.
Variant type: single nucleotide variant.
Coding change: c.506A>G on transcript NM_007373.4 (MANE Select); coding-DNA position 506, A replaced by G.
Protein change: p.Lys169Arg; replaces lysine 169 with arginine.
Molecular consequence: missense variant.
Genome position (GRCh38, 1-based): chr10:110,964,864, A>G. VCF-style: chr10-110964864-A-G. GRCh37 (hg19) VCF-style: chr10-112724622-A-G.
Other names: c.506A>G, p.Lys169Arg (NM_001269039.3, NM_001324336.2, NM_001324337.2); short protein forms K169R.
Identifiers: ClinVar variation 1502464 (VCV001502464.6), dbSNP rs2134121699, ClinGen allele CA378385738.

ClinVar aggregate classification (germline): Uncertain significance (1 of 4 stars; one submission).

Conditions:
RASopathy. Also called: Noonan spectrum disorder; rasopathies. Identifiers: Orphanet 536391, MedGen C5555857, MONDO:0021060.

Submission:

Labcorp Genetics (formerly Invitae), Labcorp
Classification: Uncertain significance for RASopathy. Last evaluated: 2022-03-22. Review status: criteria provided, single submitter. Criteria: Invitae Variant Classification Sherloc (09022015). Collection method: clinical testing. Allele origin: germline.
Comment: In summary, the available evidence is currently insufficient to determine the role of this variant in disease. Therefore, it has been classified as a Variant of Uncertain Significance. Algorithms developed to predict the effect of missense changes on protein structure and function (SIFT, PolyPhen-2, Align-GVGD) all suggest that this variant is likely to be tolerated. This variant has not been reported in the literature in individuals affected with SHOC2-related conditions. This variant is not present in population databases (gnomAD no frequency). This sequence change replaces lysine, which is basic and polar, with arginine, which is basic and polar, at codon 169 of the SHOC2 protein (p.Lys169Arg).